The following is an entry in ClinVar:

ClinVar aggregate classification (germline): Uncertain significance. Review status: criteria provided, single submitter (1 of 4 stars). 2 submissions from 1 submitter: Uncertain significance (2). Last evaluated 2021-08-05.

Conditions:
Autosomal dominant childhood-onset proximal spinal muscular atrophy with contractures (SMALED2A). Also called: SPINAL MUSCULAR ATROPHY, LOWER EXTREMITY-PREDOMINANT, 2A, CHILDHOOD ONSET, AUTOSOMAL DOMINANT; Spinal muscular atrophy, lower extremity-predominant, 2A, autosomal dominant. Identifiers: Orphanet 363447, Orphanet 363454, MedGen C4747715, MONDO:0014121, OMIM 615290.
Hereditary sensory and autonomic neuropathy type 1 (HSAN1). Also called: HSAN 1; HSN Type I; Hereditary Sensory Neuropathy Type I. Identifiers: Orphanet 36386, MedGen C0020071, MONDO:0018213.

Submissions (2):

Labcorp Genetics (formerly Invitae), Labcorp
Classification: Uncertain significance for Autosomal dominant childhood-onset proximal spinal muscular atrophy with contractures. Last evaluated: 2021-08-05. Review status: criteria provided, single submitter. Criteria: Invitae Variant Classification Sherloc (09022015). Collection method: clinical testing. Allele origin: germline.
Comment: In summary, the available evidence is currently insufficient to determine the role of this variant in disease. Therefore, it has been classified as a Variant of Uncertain Significance. This variant has not been reported in the literature in individuals affected with BICD2-related conditions. A gross deletion of the genomic region encompassing the full coding sequence of the BICD2 gene has been identified. The current clinical and genetic evidence is not sufficient to establish whether loss-of-function variants in BICD2 cause disease. The boundaries of this event are unknown as they extend beyond the assayed region for this gene and therefore may encompass additional genes.

Labcorp Genetics (formerly Invitae), Labcorp
Classification: Uncertain significance for Hereditary sensory and autonomic neuropathy type 1. Last evaluated: 2021-08-05. Review status: criteria provided, single submitter. Criteria: Invitae Variant Classification Sherloc (09022015). Collection method: clinical testing. Allele origin: germline.
Comment: A gross deletion of the genomic region encompassing the full coding sequence of the SPTLC1 gene has been identified. The current clinical and genetic evidence is not sufficient to establish whether loss-of-function variants in SPTLC1 cause disease. The boundaries of this event are unknown as they extend beyond the assayed region for this gene and therefore may encompass additional genes. This variant has not been reported in the literature in individuals affected with SPTLC1-related conditions. In summary, the available evidence is currently insufficient to determine the role of this variant in disease. Therefore, it has been classified as a Variant of Uncertain Significance.

NC_000009.11:g.(?_94794747)_(95527026_?)del

Genes: NOL8 (nucleolar protein 8; minus strand), OMD (osteomodulin; minus strand), PRSS47 (serine protease 47; minus strand), SPTLC1 (serine palmitoyltransferase long chain base subunit 1; minus strand), OGN (osteoglycin; minus strand) and 6 more. Cytogenetic location: 9q22.31.
Variant type: Deletion.
Identifiers: ClinVar variation 1373353 (VCV001373353.7).